The following is an entry in ClinVar:

ClinVar aggregate classification (germline): Uncertain significance. Review status: criteria provided, multiple submitters, no conflicts (2 of 4 stars). 2 submissions from 2 submitters: Uncertain significance (2). Last evaluated 2025-01-05.

Conditions:
Pancreatic adenocarcinoma. Identifiers: MedGen C0281361, MONDO:0006047, HP:0006725.

gnomAD v4.1: 7 of 1,613,874 alleles (0.00043%); highest among the groups gnomAD compares: Admixed American, 0.0017%; no homozygotes.

Submissions (2):

Ambry Genetics
Classification: Uncertain significance. Last evaluated: 2025-01-05. Review status: criteria provided, single submitter. Criteria: Ambry Variant Classification Scheme 2023. Collection method: clinical testing. Allele origin: germline.
Comment: The p.A174S variant (also known as c.520G>T), located in coding exon 2 of the PALLD gene, results from a G to T substitution at nucleotide position 520. The alanine at codon 174 is replaced by serine, an amino acid with similar properties. This amino acid position is conserved. In addition, this alteration is predicted to be tolerated by in silico analysis. Based on the available evidence, the clinical significance of this variant remains unclear.

Labcorp Genetics (formerly Invitae), Labcorp
Classification: Uncertain significance for Pancreatic adenocarcinoma. Last evaluated: 2022-09-13. Review status: criteria provided, single submitter. Criteria: Invitae Variant Classification Sherloc (09022015). Collection method: clinical testing. Allele origin: germline.
Comment: In summary, the available evidence is currently insufficient to determine the role of this variant in disease. Therefore, it has been classified as a Variant of Uncertain Significance. Algorithms developed to predict the effect of missense changes on protein structure and function output the following: SIFT: "Tolerated"; PolyPhen-2: "Benign"; Align-GVGD: "Class C15". The serine amino acid residue is found in multiple mammalian species, which suggests that this missense change does not adversely affect protein function. This variant has not been reported in the literature in individuals affected with PALLD-related conditions. This variant is not present in population databases (gnomAD no frequency). This sequence change replaces alanine, which is neutral and non-polar, with serine, which is neutral and polar, at codon 174 of the PALLD protein (p.Ala174Ser).

NM_001166108.2(PALLD):c.1981G>T (p.Ala661Ser)

Gene: PALLD (palladin, cytoskeletal associated protein; plus strand). Cytogenetic location: 4q32.3.
Variant type: single nucleotide variant.
Coding change: c.1981G>T on transcript NM_001166108.2 (MANE Select); coding-DNA position 1981, G replaced by T.
Protein change: p.Ala661Ser; replaces alanine 661 with serine.
Molecular consequence: missense variant. On other transcripts: 5 prime UTR variant (4).
Genome position (GRCh38, 1-based): chr4:168,890,938, G>T. VCF-style: chr4-168890938-G-T. GRCh37 (hg19) VCF-style: chr4-169812089-G-T.
Other names: c.520G>T (NM_001166110.1); c.835G>T, p.Ala279Ser (NM_001166109.2); c.520G>T, p.Ala174Ser (NM_001166110.2); c.-141G>T (NM_001367567.1, NM_001367568.1, NM_001367569.1 and 1 more transcripts); c.1981G>T, p.Ala661Ser (NM_016081.4); short protein forms A279S, A174S, A661S.
Identifiers: ClinVar variation 2054619 (VCV002054619.6), dbSNP rs878854267, ClinGen allele CA358797084.
Genomic context (GRCh38, chr4:168,890,938, plus strand): 5'-ATGCCTGACAACTAACTATACTGCCTTGTGTTTTTATCCTGCAGAGGATTTCCAAAGAAG[G>T]CCAGTAGAACTGCTAGAATAGCCTCCGATGAGGAAATTCAAGGCACAAAGGATGCTGTTA-3'
Protein context (NP_001159580.1, residues 651-671): AKPKLGFPKK[Ala661Ser]SRTARIASDE